The following is an entry in ClinVar:

Conditions:
Breast-ovarian cancer, familial, susceptibility to, 1 (BROVCA1). Also called: BRCA1 Hereditary Breast and Ovarian Cancer; OVARIAN CANCER, SUSCEPTIBILITY TO. Identifiers: Orphanet 145, MedGen C2676676, MONDO:0011450, OMIM 604370. Disease mechanism: loss of function.

Submission:

Brotman Baty Institute, University of Washington
No classification provided (evidence only). Condition: Breast-ovarian cancer, familial 1. Review status: no classification provided. Collection method: in vitro. Allele origin: not applicable. Functional consequence: functionally_normal.
ClinVar note: "not provided" was previously submitted as the classification for the variant. However, the classification appeared to be based only on an observation of functional data so it was converted to no classification on 2025-07-30.

NM_007294.4(BRCA1):c.134+22G>T

Gene: BRCA1 (BRCA1 DNA repair associated; minus strand). Cytogenetic location: 17q21.31.
Variant type: single nucleotide variant.
Coding change: c.134+22G>T on transcript NM_007294.4 (MANE Select); 22 bases into the intron after coding-DNA position 134, G replaced by T.
Molecular consequence: intron variant.
Genome position (GRCh38, 1-based): chr17:43,115,704, C>A on the plus strand (G>T on the coding strand, the complement: BRCA1 is on the minus strand). VCF-style: chr17-43115704-C-A. GRCh37 (hg19) VCF-style: chr17-41267721-C-A.
Other names: c.-8+22G>T (NM_001408458.1, NM_001408470.1, NM_001407848.1 and 47 more transcripts); c.-219+9573G>T (NM_001407967.1); c.-170+9573G>T (NM_001407959.1); c.-7-9171G>T (NM_001407931.1, NM_001407747.1, NM_001408511.1 and 2 more transcripts); c.-170+22G>T (NM_001407962.1, NM_001408512.1, NM_001408510.1 and 1 more transcripts); c.-55+22G>T (NM_001407885.1, NM_001407886.1, NM_001408509.1 and 52 more transcripts); c.-124+22G>T (NM_001407746.1, NM_001408468.1, NM_001407842.1 and 13 more transcripts); c.-8+8313G>T (NM_001408461.1, NM_001407738.1, NM_001407932.1 and 23 more transcripts); and 10 more.
Identifiers: ClinVar variation 867246 (VCV000867246.3), dbSNP rs2055237368, ClinGen allele CA916080938.